The following is an entry in ClinVar:

NM_004656.4(BAP1):c.721T>C (p.Tyr241His)

Gene: BAP1 (BRCA1 associated deubiquitinase 1; minus strand). Cytogenetic location: 3p21.1.
Variant type: single nucleotide variant.
Coding change: c.721T>C on transcript NM_004656.4 (MANE Select); coding-DNA position 721, T replaced by C.
Protein change: p.Tyr241His; replaces tyrosine 241 with histidine.
Molecular consequence: missense variant.
Genome position (GRCh38, 1-based): chr3:52,406,315, A>G on the plus strand (T>C on the coding strand, the complement: BAP1 is on the minus strand). VCF-style: chr3-52406315-A-G. GRCh37 (hg19) VCF-style: chr3-52440331-A-G.
Other names: c.721T>C (NM_004656.2); short protein forms Y241H.
Identifiers: ClinVar variation 922569 (VCV000922569.6), dbSNP rs1559589745, ClinGen allele CA353107270.

ClinVar aggregate classification (germline): Conflicting classifications of pathogenicity. Review status: criteria provided, conflicting classifications (1 of 4 stars). 3 submissions from 3 submitters: Uncertain significance (2); Likely benign (1). Last evaluated 2026-04-27.

Conditions:
Hereditary cancer-predisposing syndrome. Also called: Hereditary Cancer Syndrome; Neoplastic Syndromes, Hereditary; Tumor predisposition; Hereditary neoplastic syndrome. Identifiers: Orphanet 140162, MedGen C0027672, MeSH D009386, MONDO:0015356.

Allele frequency attached by ClinVar (database versions not stated): gnomAD exomes below 0.00001 and 0.00001.

Submissions (3):

Ambry Genetics
Classification: Likely benign for Hereditary cancer-predisposing syndrome. Last evaluated: 2026-04-27. Review status: criteria provided, single submitter. Criteria: Ambry Variant Classification Scheme 2023. Collection method: clinical testing. Allele origin: germline.

Color Diagnostics, LLC DBA Color Health
Classification: Uncertain significance for Hereditary cancer-predisposing syndrome. Last evaluated: 2024-03-07. Review status: criteria provided, single submitter. Criteria: ACMG Guidelines, 2015. Collection method: clinical testing. Allele origin: germline.
Comment: This missense variant replaces tyrosine with histidine at codon 241 of the BAP1 protein. Computational prediction tool suggests that this variant may not impact protein structure and function (internally defined REVEL score threshold <=0.5, PMID: 27666373). Splice site prediction tools suggest that this variant may not impact RNA splicing. To our knowledge, functional studies have not been performed for this variant. This variant has not been reported in individuals affected with hereditary cancer in the literature. This variant has been identified in 1/251330 chromosomes in the general population by the Genome Aggregation Database (gnomAD). The available evidence is insufficient to determine the role of this variant in disease conclusively. Therefore, this variant is classified as a Variant of Uncertain Significance.

GeneDx
Classification: Uncertain significance. Last evaluated: 2023-02-10. Review status: criteria provided, single submitter. Criteria: GeneDx Variant Classification Process June 2021. Collection method: clinical testing. Allele origin: germline. Affected: yes.
Comment: Not observed at significant frequency in large population cohorts (gnomAD); In silico analysis supports that this missense variant has a deleterious effect on protein structure/function; Has not been previously published as pathogenic or benign to our knowledge

Literature cited by the submitters: PubMed 38969833 (cited by Ambry Genetics).